The following is an entry in ClinVar:

ClinVar aggregate classification (germline): Likely benign (1 of 4 stars; one submission).

gnomAD v4.1: 2 of 1,613,984 alleles (0.00012%); highest among the groups gnomAD compares: Non-Finnish European, 0.00017%; no homozygotes.

Submission:

Molecular Diagnostic Laboratory for Inherited Cardiovascular Disease, Montreal Heart Institute
Classification: Likely benign. Last evaluated: 2025-04-09. Review status: criteria provided, single submitter. Criteria: ACMG Guidelines, 2015. Collection method: clinical testing. Allele origin: germline. Affected: no.
Comment: BP7

NM_001035.3(RYR2):c.5013G>A (p.Arg1671=)

Gene: RYR2 (ryanodine receptor 2; plus strand). Cytogenetic location: 1q43.
Variant type: single nucleotide variant.
Coding change: c.5013G>A on transcript NM_001035.3 (MANE Select); coding-DNA position 5013, G replaced by A.
Protein change: p.Arg1671=; no amino-acid change (arginine 1671 retained).
Molecular consequence: synonymous variant.
Genome position (GRCh38, 1-based): chr1:237,614,141, G>A. VCF-style: chr1-237614141-G-A. GRCh37 (hg19) VCF-style: chr1-237777441-G-A.
Identifiers: ClinVar variation 3894650 (VCV003894650.1), dbSNP rs762729306.
Genomic context (GRCh38, chr1:237,614,141, plus strand): 5'-GAAATTTCACTATCACACTCTCCGGCTCTACTCAGCCGTCTGTGCTCTTGGGAACCACCG[G>A]GTGGCCCATGCCCTGTGCAGCCATGTGGATGAACCTCAGCTCCTCTATGCCATTGAGAAC-3'
Protein context (NP_001026.2, residues 1661-1681): YSAVCALGNH[Arg1671=]VAHALCSHVD